The following is an entry in ClinVar:

ClinVar aggregate classification (germline): Conflicting classifications of pathogenicity. Review status: criteria provided, conflicting classifications (1 of 4 stars). 13 submissions from 13 submitters: Uncertain significance (1); Benign (4); Likely benign (4). 4 of the submissions do not count toward it. Last evaluated 2026-08-01.

Conditions:
Ullrich congenital muscular dystrophy 2 (UCMD2). Identifiers: Orphanet 75840, MedGen C4225314, MONDO:0014654, OMIM 616470.
Bethlem myopathy 2 (BTHLM2). Identifiers: Orphanet 536516, Orphanet 610, MedGen C4225313, MONDO:0034022, OMIM 616471.
Inborn genetic diseases. Identifiers: MedGen C0950123, MeSH D030342.

Allele frequency attached by ClinVar (database versions not stated): 1000 Genomes Project 30x 0.00109; 1000 Genomes Project 0.00120; gnomAD exomes 0.00407 and 0.00582; ExAC 0.00438; TOPMed 0.00445; gnomAD 0.00448 and 0.00484; ESP Exome Variant Server 0.00545.
gnomAD v4.1: 9,114 of 1,610,232 alleles (0.57%); highest among the groups gnomAD compares: Non-Finnish European, 0.7%; 43 homozygotes.

Submissions (13):

CeGaT Center for Human Genetics Tuebingen
Classification: Likely benign. Last evaluated: 2026-08-01. Review status: criteria provided, single submitter. Criteria: CeGaT Center For Human Genetics Tuebingen Variant Classification Criteria Version 2. Collection method: clinical testing. Allele origin: germline. Affected: yes. Observed: 33 variant alleles.
Comment: COL12A1: BS2

Labcorp Genetics (formerly Invitae), Labcorp
Classification: Benign for Bethlem myopathy 2; Ullrich congenital muscular dystrophy 2. Last evaluated: 2026-02-04. Review status: criteria provided, single submitter. Criteria: Invitae Variant Classification Sherloc (09022015). Collection method: clinical testing. Allele origin: germline.

Women's Health and Genetics/Laboratory Corporation of America, LabCorp
Classification: Benign. Last evaluated: 2024-12-10. Review status: criteria provided, single submitter. Criteria: LabCorp Variant Classification Summary - May 2015. Collection method: clinical testing. Allele origin: germline.
Comment: Variant summary: COL12A1 c.9083G>A (p.Arg3028His) results in a non-conservative amino acid change in the encoded protein sequence. Four of five in-silico tools predict a damaging effect of the variant on protein function. The variant allele was found at a frequency of 0.0041 in 244726 control chromosomes, predominantly at a frequency of 0.007 within the Non-Finnish European subpopulation in the gnomAD database, including 8 homozygotes. The observed variant frequency within Non-Finnish European control individuals in the gnomAD database is approximately 2-fold of the estimated maximal expected allele frequency for a pathogenic variant in COL12A1 causing Ullrich congenital muscular dystrophy 2 phenotype (0.0035). To our knowledge, no occurrence of c.9083G>A in individuals affected with Ullrich congenital muscular dystrophy 2 and no experimental evidence demonstrating its impact on protein function have been reported. ClinVar contains an entry for this variant (Variation ID: 259356). Based on the evidence outlined above, the variant was classified as benign.

Mayo Clinic Laboratories, Mayo Clinic
Classification: Benign. Last evaluated: 2023-02-21. Review status: criteria provided, single submitter. Criteria: ACMG Guidelines, 2015. Collection method: clinical testing. Allele origin: germline. Observed: 52 variant alleles.
Comment: BS1, BS2

Ambry Genetics
Classification: Uncertain significance for Inborn genetic diseases. Last evaluated: 2021-07-14. Review status: criteria provided, single submitter. Criteria: Ambry Variant Classification Scheme 2023. Collection method: clinical testing. Allele origin: germline.

GeneDx
Classification: Benign. Last evaluated: 2020-09-14. Review status: criteria provided, single submitter. Criteria: GeneDx Variant Classification Process June 2021. Collection method: clinical testing. Allele origin: germline. Affected: yes.

Genetic Services Laboratory, University of Chicago
Classification: Likely benign. Last evaluated: 2020-04-29. Review status: criteria provided, single submitter. Criteria: ACMG Guidelines, 2015. Collection method: clinical testing. Allele origin: germline. Affected: no.

Mendelics
Classification: Likely benign for Ullrich congenital muscular dystrophy 2. Last evaluated: 2019-05-28. Review status: criteria provided, single submitter. Criteria: Mendelics Assertion Criteria 2017. Collection method: clinical testing. Allele origin: unknown.

PreventionGenetics, part of Exact Sciences
Classification: Likely benign. Review status: criteria provided, single submitter. Criteria: ACMG Guidelines, 2015. Collection method: clinical testing. Allele origin: germline.

Clinical Genetics DNA and cytogenetics Diagnostics Lab, Erasmus MC, Erasmus Medical Center
Classification: Likely benign. Review status: no assertion criteria provided. Collection method: clinical testing. Allele origin: germline. Affected: yes. Study: VKGL Data-share Consensus. Not counted in ClinVar's aggregate classification.

Clinical Genetics, Academic Medical Center
Classification: Likely benign. Review status: no assertion criteria provided. Collection method: clinical testing. Allele origin: germline. Affected: yes. Study: VKGL Data-share Consensus. Not counted in ClinVar's aggregate classification.

Genome Diagnostics Laboratory, Amsterdam University Medical Center
Classification: Benign. Review status: no assertion criteria provided. Collection method: clinical testing. Allele origin: germline. Affected: yes. Study: VKGL Data-share Consensus. Not counted in ClinVar's aggregate classification.

Laboratory of Diagnostic Genome Analysis, Leiden University Medical Center (LUMC)
Classification: Likely benign. Review status: no assertion criteria provided. Collection method: clinical testing. Allele origin: germline. Affected: yes. Study: VKGL Data-share Consensus. Not counted in ClinVar's aggregate classification.

NM_004370.6(COL12A1):c.9083G>A (p.Arg3028His)

Gene: COL12A1 (collagen type XII alpha 1 chain; minus strand). Cytogenetic location: 6q13.
Variant type: single nucleotide variant.
Coding change: c.9083G>A on transcript NM_004370.6 (MANE Select); coding-DNA position 9083, G replaced by A.
Protein change: p.Arg3028His; replaces arginine 3028 with histidine.
Molecular consequence: missense variant.
Genome position (GRCh38, 1-based): chr6:75,087,675, C>T on the plus strand (G>A on the coding strand, the complement: COL12A1 is on the minus strand). VCF-style: chr6-75087675-C-T. GRCh37 (hg19) VCF-style: chr6-75797391-C-T.
Other names: p.Arg3028His; c.5591G>A, p.Arg1864His (NM_080645.3); short protein forms R3028H, R1864H.
Identifiers: ClinVar variation 259356 (VCV000259356.68), dbSNP rs41266761, ClinGen allele CA3892023.